The following is an entry in ClinVar:

NM_007317.3(KIF22):c.274G>A (p.Ala92Thr)

Gene: KIF22 (kinesin family member 22; plus strand). Cytogenetic location: 16p11.2.
Variant type: single nucleotide variant.
Coding change: c.274G>A on transcript NM_007317.3 (MANE Select); coding-DNA position 274, G replaced by A.
Protein change: p.Ala92Thr; replaces alanine 92 with threonine.
Molecular consequence: missense variant.
Genome position (GRCh38, 1-based): chr16:29,798,381, G>A. VCF-style: chr16-29798381-G-A. GRCh37 (hg19) VCF-style: chr16-29809702-G-A.
Other names: c.70G>A, p.Ala24Thr (NM_001256269.2, NM_001256270.1); short protein forms A24T, A92T.
Identifiers: ClinVar variation 2126524 (VCV002126524.4), dbSNP rs2543272371, ClinGen allele CA395450561.
Genomic context (GRCh38, chr16:29,798,381, plus strand): 5'-CACACACACACACACACACACACACACGCTAATTTCTTTCTTTCTTCCTGCAGGTTTGAT[G>A]CCTTCTATGGGGAGAGGAGTACTCAGCAGGACATCTATGCAGGTTCAGTGCAGCCCATCC-3'
Protein context (NP_015556.1, residues 82-102): HQETLKYQFD[Ala92Thr]FYGERSTQQD

ClinVar aggregate classification (germline): Uncertain significance (1 of 4 stars; one submission).

Allele frequency attached by ClinVar (database versions not stated): gnomAD exomes below 0.00001.

Submission:

Labcorp Genetics (formerly Invitae), Labcorp
Classification: Uncertain significance. Last evaluated: 2022-04-15. Review status: criteria provided, single submitter. Criteria: Invitae Variant Classification Sherloc (09022015). Collection method: clinical testing. Allele origin: germline.
Comment: This variant is not present in population databases (gnomAD no frequency). This sequence change replaces alanine, which is neutral and non-polar, with threonine, which is neutral and polar, at codon 92 of the KIF22 protein (p.Ala92Thr). This variant has not been reported in the literature in individuals affected with KIF22-related conditions. Algorithms developed to predict the effect of missense changes on protein structure and function are either unavailable or do not agree on the potential impact of this missense change (SIFT: "Tolerated"; PolyPhen-2: "Probably Damaging"; Align-GVGD: "Class C0"). In summary, the available evidence is currently insufficient to determine the role of this variant in disease. Therefore, it has been classified as a Variant of Uncertain Significance.